The following is an entry in ClinVar:

NM_001170629.2(CHD8):c.4729del

Gene: CHD8 (chromodomain helicase DNA binding protein 8; minus strand). Cytogenetic location: 14q11.2.
Variant type: Deletion.
Coding change: c.4729del on transcript NM_001170629.2 (MANE Select); coding-DNA position 4729, one base deleted (G; older notation c.4729delG).
Molecular consequence: splice acceptor variant.
Genome position (GRCh38, 1-based): chr14:21,400,069, C deleted on the plus strand (G on the coding strand, the reverse complement: CHD8 is on the minus strand); the first of 3 consecutive C bases (chr14:21,400,069-21,400,071); deleting any one gives the same sequence. VCF-style (leftmost placement, unchanged base first): chr14-21400068-AC-A. GRCh37 (hg19) VCF-style: chr14-21868227-AC-A.
Identifiers: ClinVar variation 4796509 (VCV004796509.1).

ClinVar aggregate classification (germline): Pathogenic (1 of 4 stars; one submission).

Conditions:
Intellectual developmental disorder with autism and macrocephaly. Also called: Autism, susceptibility to, 18; CHD8-Related Neurodevelopmental Disorder with Overgrowth. Identifiers: Orphanet 642675, MedGen C3554373, MONDO:0014017, OMIM 615032.

Submission:

Juno Genomics, Hangzhou Juno Genomics, Inc
Classification: Pathogenic for Intellectual developmental disorder with autism and macrocephaly. Review status: criteria provided, single submitter. Criteria: ACMG Guidelines, 2015. Collection method: clinical testing. Allele origin: germline. Affected: yes.
Comment: Absent from controls (or at extremely low frequency if recessive) in Genome Aggregation Database, Exome Sequencing Project, 1000 Genomes Project, or Exome Aggregation Consortium.;De novo (both maternity and paternity confirmed) in a patient with the disease and no family history.;Null variant in a gene where loss of function (LOF) is a known mechanism of disease.